The following is an entry in ClinVar:

ClinVar aggregate classification (germline): Conflicting classifications of pathogenicity. Review status: criteria provided, conflicting classifications (1 of 4 stars). 2 submissions from 2 submitters: Pathogenic (1); Uncertain significance (1). Last evaluated 2025-06-13.

Allele frequency attached by ClinVar (database versions not stated): TOPMed 0.00001.

Submissions (2):

GeneDx
Classification: Uncertain significance. Last evaluated: 2025-06-13. Review status: criteria provided, single submitter. Criteria: GeneDx Variant Classification Process June 2021. Collection method: clinical testing. Allele origin: germline. Affected: yes.
Comment: Nonsense variant predicted to result in protein truncation or nonsense mediated decay in a gene for which loss of function is a known mechanism of disease; Has not been previously published as pathogenic or benign to our knowledge

Labcorp Genetics (formerly Invitae), Labcorp
Classification: Pathogenic. Last evaluated: 2023-09-10. Review status: criteria provided, single submitter. Criteria: Invitae Variant Classification Sherloc (09022015). Collection method: clinical testing. Allele origin: germline.
Comment: This sequence change creates a premature translational stop signal (p.Arg726*) in the CC2D1A gene. It is expected to result in an absent or disrupted protein product. Loss-of-function variants in CC2D1A are known to be pathogenic (PMID: 16033914). This variant is present in population databases (rs754855261, gnomAD 0.006%). This variant has not been reported in the literature in individuals affected with CC2D1A-related conditions. ClinVar contains an entry for this variant (Variation ID: 489260). For these reasons, this variant has been classified as Pathogenic.

Literature cited by the submitters: PubMed 16033914 (cited by Labcorp Genetics (formerly Invitae), Labcorp).

NM_017721.5(CC2D1A):c.2176C>T (p.Arg726Ter)

Gene: CC2D1A (coiled-coil and C2 domain containing 1A; plus strand). Cytogenetic location: 19p13.12.
Variant type: single nucleotide variant.
Coding change: c.2176C>T on transcript NM_017721.5 (MANE Select); coding-DNA position 2176, C replaced by T.
Protein change: p.Arg726Ter; replaces arginine 726 with a stop codon.
Molecular consequence: nonsense.
Genome position (GRCh38, 1-based): chr19:13,927,028, C>T. VCF-style: chr19-13927028-C-T. GRCh37 (hg19) VCF-style: chr19-14037841-C-T.
Other names: short protein forms R726*.
Identifiers: ClinVar variation 489260 (VCV000489260.6), dbSNP rs754855261, ClinGen allele CA9244967.